The following is an entry in ClinVar:

ClinVar aggregate classification (germline): Uncertain significance (1 of 4 stars; one submission).

Submission:

Labcorp Genetics (formerly Invitae), Labcorp
Classification: Uncertain significance. Last evaluated: 2025-04-07. Review status: criteria provided, single submitter. Criteria: Invitae Variant Classification Sherloc (09022015). Collection method: clinical testing. Allele origin: germline.
Comment: This sequence change replaces arginine, which is basic and polar, with lysine, which is basic and polar, at codon 424 of the SPPL2A protein (p.Arg424Lys). This variant is not present in population databases (gnomAD no frequency). This variant has not been reported in the literature in individuals affected with SPPL2A-related conditions. An algorithm developed to predict the effect of missense changes on protein structure and function (PolyPhen-2) suggests that this variant is likely to be disruptive. Algorithms developed to predict the effect of sequence changes on RNA splicing suggest that this variant may disrupt the consensus splice site. In summary, the available evidence is currently insufficient to determine the role of this variant in disease. Therefore, it has been classified as a Variant of Uncertain Significance.

NM_032802.4(SPPL2A):c.1271G>A (p.Arg424Lys)

Gene: SPPL2A (signal peptide peptidase like 2A; minus strand). Cytogenetic location: 15q21.2.
Variant type: single nucleotide variant.
Coding change: c.1271G>A on transcript NM_032802.4 (MANE Select); coding-DNA position 1271, G replaced by A.
Protein change: p.Arg424Lys; replaces arginine 424 with lysine.
Molecular consequence: missense variant.
Genome position (GRCh38, 1-based): chr15:50,722,180, C>T on the plus strand (G>A on the coding strand, the complement: SPPL2A is on the minus strand). VCF-style: chr15-50722180-C-T. GRCh37 (hg19) VCF-style: chr15-51014377-C-T.
Other names: c.1325G>A, p.Arg442Lys (NM_001438111.1); c.1271G>A, p.Arg424Lys (NM_001438112.1); short protein forms R424K, R442K.
Identifiers: ClinVar variation 4716826 (VCV004716826.1).
Genomic context (GRCh38, chr15:50,722,180, plus strand): 5'-TTACCAACTGTAGACGAAACATAGTATATGTAAGAAGAACCAGTCTGAACATCAAATCTT[C>T]TACAGTATGCAATCAACAGGCCTTAAAAACAAAACAAAACATTATTTTCTTAAAACAATA-3'
Protein context (NP_116191.2, residues 414-434): IVPGLLIAYC[Arg424Lys]RFDVQTGSSY